The following is an entry in ClinVar:

ClinVar aggregate classification (germline): Uncertain significance (1 of 4 stars; one submission).

Allele frequency attached by ClinVar (database versions not stated): gnomAD exomes below 0.00001; TOPMed 0.00001.
gnomAD v4.1: 2 of 1,614,104 alleles (0.00012%); highest among the groups gnomAD compares: Non-Finnish European, 0.00017%; no homozygotes.

Submission:

Labcorp Genetics (formerly Invitae), Labcorp
Classification: Uncertain significance. Last evaluated: 2023-08-10. Review status: criteria provided, single submitter. Criteria: Invitae Variant Classification Sherloc (09022015). Collection method: clinical testing. Allele origin: germline.
Comment: This variant has not been reported in the literature in individuals affected with KIDINS220-related conditions. In summary, the available evidence is currently insufficient to determine the role of this variant in disease. Therefore, it has been classified as a Variant of Uncertain Significance. An algorithm developed to predict the effect of missense changes on protein structure and function (PolyPhen-2) suggests that this variant is likely to be tolerated. ClinVar contains an entry for this variant (Variation ID: 1977091). This variant is not present in population databases (gnomAD no frequency). This sequence change replaces alanine, which is neutral and non-polar, with aspartic acid, which is acidic and polar, at codon 1560 of the KIDINS220 protein (p.Ala1560Asp).

NM_020738.4(KIDINS220):c.4679C>A (p.Ala1560Asp)

Gene: KIDINS220 (kinase D interacting substrate 220; minus strand). Cytogenetic location: 2p25.1.
Variant type: single nucleotide variant.
Coding change: c.4679C>A on transcript NM_020738.4 (MANE Select); coding-DNA position 4679, C replaced by A.
Protein change: p.Ala1560Asp; replaces alanine 1560 with aspartic acid.
Molecular consequence: missense variant. On other transcripts: intron variant (6).
Genome position (GRCh38, 1-based): chr2:8,731,357, G>T on the plus strand (C>A on the coding strand, the complement: KIDINS220 is on the minus strand). VCF-style: chr2-8731357-G-T. GRCh37 (hg19) VCF-style: chr2-8871487-G-T.
Other names: c.4682C>A, p.Ala1561Asp (NM_001348729.2); c.4625C>A, p.Ala1542Asp (NM_001348731.2); c.4622C>A, p.Ala1541Asp (NM_001348732.2); c.4511C>A, p.Ala1504Asp (NM_001348734.2); c.4508C>A, p.Ala1503Asp (NM_001348735.2); c.4382C>A, p.Ala1461Asp (NM_001348736.2); c.3882+2087C>A (NM_001348741.2, NM_001348742.2, NM_001348743.2); c.3996+2087C>A (NM_001348738.2); and 1 more; short protein forms A1461D, A1504D, A1503D, A1541D, A1542D, A1560D, A1561D.
Identifiers: ClinVar variation 1977091 (VCV001977091.5), dbSNP rs773570658, ClinGen allele CA345763215.